The following is an entry in ClinVar:

ClinVar aggregate classification (germline): Uncertain significance. Review status: criteria provided, multiple submitters, no conflicts (2 of 4 stars). 2 submissions from 2 submitters: Uncertain significance (2). Last evaluated 2025-03-10.

Conditions:
Hereditary cancer-predisposing syndrome. Also called: Neoplastic Syndromes, Hereditary; Tumor predisposition; Hereditary Cancer Syndrome; Hereditary neoplastic syndrome. Identifiers: Orphanet 140162, MedGen C0027672, MeSH D009386, MONDO:0015356.
Gastrointestinal stromal tumor. Also called: Gastrointestinal stromal tumor, somatic; Gastrointestinal stroma tumor. Identifiers: Orphanet 44890, MedGen C0238198, MeSH D046152, MONDO:0011719, OMIM 606764, HP:0100723.

Submissions (2):

Ambry Genetics
Classification: Uncertain significance for Hereditary cancer-predisposing syndrome. Last evaluated: 2025-03-10. Review status: criteria provided, single submitter. Criteria: Ambry Variant Classification Scheme 2023. Collection method: clinical testing. Allele origin: germline.
Comment: The p.K504N variant (also known as c.1512G>T), located in coding exon 9 of the PDGFRA gene, results from a G to T substitution at nucleotide position 1512. The lysine at codon 504 is replaced by asparagine, an amino acid with similar properties. This amino acid position is conserved. In addition, this alteration is predicted to be tolerated by in silico analysis. Based on the available evidence, the clinical significance of this variant remains unclear.

Labcorp Genetics (formerly Invitae), Labcorp
Classification: Uncertain significance for Gastrointestinal stromal tumor. Last evaluated: 2025-02-02. Review status: criteria provided, single submitter. Criteria: Invitae Variant Classification Sherloc (09022015). Collection method: clinical testing. Allele origin: germline.
Comment: This sequence change replaces lysine, which is basic and polar, with asparagine, which is neutral and polar, at codon 504 of the PDGFRA protein (p.Lys504Asn). This variant is not present in population databases (gnomAD no frequency). This variant has not been reported in the literature in individuals affected with PDGFRA-related conditions. Invitae Evidence Modeling of protein sequence and biophysical properties (such as structural, functional, and spatial information, amino acid conservation, physicochemical variation, residue mobility, and thermodynamic stability) indicates that this missense variant is not expected to disrupt PDGFRA protein function with a negative predictive value of 80%. In summary, the available evidence is currently insufficient to determine the role of this variant in disease. Therefore, it has been classified as a Variant of Uncertain Significance.

NM_006206.6(PDGFRA):c.1512G>T (p.Lys504Asn)

Gene: PDGFRA (platelet derived growth factor receptor alpha; plus strand). Cytogenetic location: 4q12.
Variant type: single nucleotide variant.
Coding change: c.1512G>T on transcript NM_006206.6 (MANE Select); coding-DNA position 1512, G replaced by T.
Protein change: p.Lys504Asn; replaces lysine 504 with asparagine.
Molecular consequence: missense variant.
Genome position (GRCh38, 1-based): chr4:54,273,684, G>T. VCF-style: chr4-54273684-G-T. GRCh37 (hg19) VCF-style: chr4-55139851-G-T.
Other names: c.1512G>T, p.Lys504Asn (NM_001347827.2, NM_001347829.2); c.1587G>T, p.Lys529Asn (NM_001347828.2); c.1551G>T, p.Lys517Asn (NM_001347830.2); short protein forms K517N, K529N, K504N.
Identifiers: ClinVar variation 3666234 (VCV003666234.3).
Genomic context (GRCh38, chr4:54,273,684, plus strand): 5'-GGAGGGCCGTGTGACTTTCGCCAAAGTGGAGGAGACCATCGCCGTGCGATGCCTGGCTAA[G>T]AATCTCCTTGGAGCTGAGAACCGAGAGCTGAAGCTGGTGGCTCCCAGTGAGTTCCTCAAC-3'
Protein context (NP_006197.1, residues 494-514): EETIAVRCLA[Lys504Asn]NLLGAENREL